The following is an entry in ClinVar:

NM_031935.3(HMCN1):c.4807C>G (p.Leu1603Val)

Gene: HMCN1 (hemicentin 1; plus strand). Cytogenetic location: 1q31.1.
Variant type: single nucleotide variant.
Coding change: c.4807C>G on transcript NM_031935.3 (MANE Select); coding-DNA position 4807, C replaced by G.
Protein change: p.Leu1603Val; replaces leucine 1603 with valine.
Molecular consequence: missense variant.
Genome position (GRCh38, 1-based): chr1:186,015,335, C>G. VCF-style: chr1-186015335-C-G. GRCh37 (hg19) VCF-style: chr1-185984467-C-G.
Other names: short protein forms L1603V.
Identifiers: ClinVar variation 4703248 (VCV004703248.1).
Genomic context (GRCh38, chr1:186,015,335, plus strand): 5'-AAGGACGGGCAGCCAATCATGTCCAGCTCACAAGCACTTTATATTGATAAAGGACAATAT[C>G]TTCATATTCCTCGAGCACAGGTCTCTGATTCAGCAACATATACGTGTCATGTAGCCAATG-3'
Protein context (NP_114141.2, residues 1593-1613): QALYIDKGQY[Leu1603Val]HIPRAQVSDS

ClinVar aggregate classification (germline): Uncertain significance (1 of 4 stars; one submission).

gnomAD v4.1: 1 of 1,613,760 alleles (0.000062%); highest among the groups gnomAD compares: Non-Finnish European, 0.000085%; no homozygotes.

Submission:

Labcorp Genetics (formerly Invitae), Labcorp
Classification: Uncertain significance. Last evaluated: 2025-10-21. Review status: criteria provided, single submitter. Criteria: Invitae Variant Classification Sherloc (09022015). Collection method: clinical testing. Allele origin: germline.
Comment: This sequence change replaces leucine, which is neutral and non-polar, with valine, which is neutral and non-polar, at codon 1603 of the HMCN1 protein (p.Leu1603Val). This variant is not present in population databases (gnomAD no frequency). This variant has not been reported in the literature in individuals affected with HMCN1-related conditions. An algorithm developed to predict the effect of missense changes on protein structure and function (PolyPhen-2) suggests that this variant is likely to be disruptive. In summary, the available evidence is currently insufficient to determine the role of this variant in disease. Therefore, it has been classified as a Variant of Uncertain Significance.